The following is an entry in ClinVar:

ClinVar aggregate classification (germline): Conflicting classifications of pathogenicity. Review status: criteria provided, conflicting classifications (1 of 4 stars). 14 submissions from 14 submitters: Uncertain significance (3); Benign (4); Likely benign (4). 3 of the submissions do not count toward it. Last evaluated 2025-09-19.

Conditions:
LMNA-related disorder. Also called: LMNA-related condition; LMNA-related disease; LMNA-related disorders. Identifiers: MedGen CN380145.
Monogenic diabetes. Identifiers: Orphanet 183625, MedGen C3888631, MONDO:0015967.
Cardiovascular phenotype. Identifiers: MedGen CN230736.
Charcot-Marie-Tooth disease type 2. Also called: Charcot-Marie-Tooth type 2. Identifiers: Orphanet 64746, MedGen C0270914, MONDO:0018993.
Long QT syndrome (LQTS). Identifiers: MedGen C0023976, MeSH D008133, MONDO:0002442. Disease mechanism: loss of function. Inheritance: Various modes of inheritance.
Cardiomyopathy (CMYO). Also called: Cardiomyopathies. Identifiers: Orphanet 167848, MedGen C0878544, MONDO:0004994, HP:0001638. Inheritance: Various modes of inheritance.
Primary dilated cardiomyopathy (DCM). Also called: Dilated Cardiomyopathy. Identifiers: Orphanet 217604, MedGen C0007193, MeSH D002311, MONDO:0005021, HP:0001644. Inheritance: Various modes of inheritance.

Allele frequency attached by ClinVar (database versions not stated): gnomAD 0.00003; TOPMed 0.00015; 1000 Genomes Project 30x 0.00031.
gnomAD v4.1: 70 of 1,547,050 alleles (0.0045%); highest among the groups gnomAD compares: East Asian, 0.071%; no homozygotes.

Submissions (14):

Mayo Clinic Laboratories, Mayo Clinic
Classification: Likely benign. Last evaluated: 2025-09-19. Review status: criteria provided, single submitter. Criteria: ACMG Guidelines, 2015. Collection method: clinical testing. Allele origin: germline. Observed: 1 variant allele.
Comment: BS1, BP4, BP7

PreventionGenetics, part of Exact Sciences
Classification: Likely benign for LMNA-related condition. Last evaluated: 2025-08-05. Review status: criteria provided, single submitter. Criteria: ACMG Guidelines, 2015. Collection method: clinical testing. Allele origin: germline.
Comment: This variant is classified as likely benign based on ACMG/AMP sequence variant interpretation guidelines (Richards et al. 2015 PMID: 25741868, with internal and published modifications).

Blueprint Genetics
Classification: Likely benign. Last evaluated: 2024-10-02. Review status: criteria provided, single submitter. Criteria: ACMG Guidelines, 2015. Collection method: clinical testing. Allele origin: germline.

All of Us Research Program, National Institutes of Health
Classification: Benign for Primary dilated cardiomyopathy. Last evaluated: 2023-12-18. Review status: criteria provided, single submitter. Criteria: ACMG Guidelines, 2015. Collection method: clinical testing. Allele origin: germline. Inheritance: Autosomal dominant inheritance. Observed: 16 variant alleles, 16 heterozygotes.
Comment: This study involves interpretation of variants in research participants for the purpose of population health screening. Participant phenotype was not available at the time of variant classification. Additional details can be found in publication PMID: 35346344, PMCID: PMC8962531

Labcorp Genetics (formerly Invitae), Labcorp
Classification: Uncertain significance for Charcot-Marie-Tooth disease type 2. Last evaluated: 2021-12-07. Review status: criteria provided, single submitter. Criteria: Invitae Variant Classification Sherloc (09022015). Collection method: clinical testing. Allele origin: germline.
Comment: The LMNA gene has multiple clinically relevant transcripts. This variant occurs in alternate transcript NM_005572.4, and corresponds to LMNA/NM_170707.3:c.1698+14G>A in the primary transcript. This sequence change replaces arginine, which is basic and polar, with histidine, which is basic and polar, at codon 571 of the LMNA protein (p.Arg571His). This variant is present in population databases (rs200917748, gnomAD 0.2%). This variant has not been reported in the literature in individuals affected with LMNA-related conditions. ClinVar contains an entry for this variant (Variation ID: 200928). This variant disrupts the p.Arg571 amino acid residue in LMNA. Other variant(s) that disrupt this residue have been determined to be pathogenic (PMID: 10580070, 28686329; Invitae). This suggests that this residue is clinically significant, and that variants that disrupt this residue are likely to be disease-causing. In summary, the available evidence is currently insufficient to determine the role of this variant in disease. Therefore, it has been classified as a Variant of Uncertain Significance.

Ambry Genetics
Classification: Uncertain significance for Cardiovascular phenotype. Last evaluated: 2021-07-21. Review status: criteria provided, single submitter. Criteria: Ambry Variant Classification Scheme 2023. Collection method: clinical testing. Allele origin: germline.

Color Diagnostics, LLC DBA Color Health
Classification: Benign for Cardiomyopathy. Last evaluated: 2018-10-16. Review status: criteria provided, single submitter. Criteria: ACMG Guidelines, 2015. Collection method: clinical testing. Allele origin: germline.

Center for Advanced Laboratory Medicine, UC San Diego Health, University of California San Diego
Classification: Benign for Long QT Syndrome. Last evaluated: 2018-05-26. Review status: criteria provided, single submitter. Criteria: ACMG Guidelines, 2015. Collection method: clinical testing. Allele origin: germline. Affected: yes. Observed: 1 variant allele.

Personalized Diabetes Medicine Program, University of Maryland School of Medicine
Classification: Likely benign for Monogenic diabetes. Last evaluated: 2017-05-19. Review status: criteria provided, single submitter. Criteria: ACMG Guidelines, 2015. Collection method: research. Allele origin: unknown. Observed: 1 variant allele, 1 heterozygote. Study: Personalized Diabetes Medicine Program.
Comment: ACMG Criteria:PP3 (4 predictors), BP4 (6 predictors), BP6 (GeneDx)

GeneDx
Classification: Benign. Last evaluated: 2014-07-11. Review status: criteria provided, single submitter. Criteria: GeneDx Variant Classification (06012015). Collection method: clinical testing. Allele origin: germline. Affected: yes.
Comment: This variant is considered likely benign or benign based on one or more of the following criteria: it is a conservative change, it occurs at a poorly conserved position in the protein, it is predicted to be benign by multiple in silico algorithms, and/or has population frequency not consistent with disease.

Clinical Genomics, Uppaluri K&H Personalized Medicine Clinic
Classification: Uncertain significance for Primary dilated cardiomyopathy. Review status: criteria provided, single submitter. Criteria: K & H Uppaluri Personalized Medicine Clinic Variant Classification & Assertion Criteria_Updated V.1. Collection method: research. Allele origin: unknown. Inheritance: Autosomal dominant inheritance.
Comment: Potent mutations in LMNA gene can lead to structural alteration in skeletal and cardiac muscle by altering the structure of Lamin A and Lamin C. It is associated with dilated cardiomyopathy and skeletal muscle dystrophies. However no sufficient evidence is found to ascertain the role of this particular variant rs200917748, yet.

Clinical Genetics, Academic Medical Center
Classification: Benign. Review status: no assertion criteria provided. Collection method: clinical testing. Allele origin: germline. Affected: yes. Study: VKGL Data-share Consensus. Not counted in ClinVar's aggregate classification.

Genome Diagnostics Laboratory, University Medical Center Utrecht
Classification: Likely benign. Review status: no assertion criteria provided. Collection method: clinical testing. Allele origin: germline. Affected: yes. Study: VKGL Data-share Consensus. Not counted in ClinVar's aggregate classification.

Joint Genome Diagnostic Labs from Nijmegen and Maastricht, Radboudumc and MUMC+
Classification: Likely benign. Review status: no assertion criteria provided. Collection method: clinical testing. Allele origin: germline. Affected: yes. Study: VKGL Data-share Consensus. Not counted in ClinVar's aggregate classification.

Literature cited by the submitters: PubMed 10580070 (cited by Labcorp Genetics (formerly Invitae), Labcorp); PubMed 28686329 (cited by Labcorp Genetics (formerly Invitae), Labcorp); PubMed 11102973 (cited by Clinical Genomics, Uppaluri K&H Personalized Medicine Clinic); PubMed 33407844 (cited by Clinical Genomics, Uppaluri K&H Personalized Medicine Clinic); PubMed 32818388 (cited by Clinical Genomics, Uppaluri K&H Personalized Medicine Clinic); PubMed 29952368 (cited by Clinical Genomics, Uppaluri K&H Personalized Medicine Clinic); PubMed 29237675 (cited by Clinical Genomics, Uppaluri K&H Personalized Medicine Clinic).

NM_005572.4(LMNA):c.1712G>A (p.Arg571His)

Gene: LMNA (lamin A/C; plus strand). Cytogenetic location: 1q22.
Variant type: single nucleotide variant.
Coding change: c.1712G>A on transcript NM_005572.4 (MANE Plus Clinical); coding-DNA position 1712, G replaced by A.
Protein change: p.Arg571His; replaces arginine 571 with histidine.
Molecular consequence: missense variant. On other transcripts: intron variant (4).
Genome position (GRCh38, 1-based): chr1:156,137,757, G>A. VCF-style: chr1-156137757-G-A. GRCh37 (hg19) VCF-style: chr1-156107548-G-A.
Other names: p.?; c.1469G>A, p.Arg490His (NM_001282624.2); c.1712G>A, p.Arg571His (NM_001282625.2); c.1698+14G>A (NM_170707.4, NM_001282626.2); c.1608+525G>A (NM_170708.4); c.1362+14G>A (NM_001257374.3); short protein forms R571H, R490H.
Identifiers: ClinVar variation 200928 (VCV000200928.16), dbSNP rs200917748, ClinGen allele CA017707.